The following is an entry in ClinVar:

NM_002661.5(PLCG2):c.426C>G (p.Ile142Met)

Gene: PLCG2 (phospholipase C gamma 2; plus strand). Cytogenetic location: 16q23.3.
Variant type: single nucleotide variant.
Coding change: c.426C>G on transcript NM_002661.5 (MANE Select); coding-DNA position 426, C replaced by G.
Protein change: p.Ile142Met; replaces isoleucine 142 with methionine.
Molecular consequence: missense variant.
Genome position (GRCh38, 1-based): chr16:81,858,351, C>G. VCF-style: chr16-81858351-C-G. GRCh37 (hg19) VCF-style: chr16-81891956-C-G.
Other names: short protein forms I142M.
Identifiers: ClinVar variation 2195489 (VCV002195489.3), dbSNP rs775311990, ClinGen allele CA8193177.

ClinVar aggregate classification (germline): Uncertain significance (1 of 4 stars; one submission).

Conditions:
Familial cold autoinflammatory syndrome 3 (FCAS3). Also called: ANTIBODY DEFICIENCY AND IMMUNE DYSREGULATION, PLCG2-ASSOCIATED; FAMILIAL ATYPICAL COLD URTICARIA. Identifiers: Orphanet 300359, MedGen C3280914, MONDO:0013766, OMIM 614468.

Allele frequency attached by ClinVar (database versions not stated): TOPMed below 0.00001; gnomAD 0.00001.

Submission:

Labcorp Genetics (formerly Invitae), Labcorp
Classification: Uncertain significance for Familial cold autoinflammatory syndrome 3. Last evaluated: 2025-09-29. Review status: criteria provided, single submitter. Criteria: Invitae Variant Classification Sherloc (09022015). Collection method: clinical testing. Allele origin: germline.
Comment: This sequence change replaces isoleucine, which is neutral and non-polar, with methionine, which is neutral and non-polar, at codon 142 of the PLCG2 protein (p.Ile142Met). This variant is present in population databases (rs775311990, gnomAD 0.02%). This variant has not been reported in the literature in individuals affected with PLCG2-related conditions. ClinVar contains an entry for this variant (Variation ID: 2195489). An algorithm developed to predict the effect of missense changes on protein structure and function (PolyPhen-2) suggests that this variant is likely to be tolerated. In summary, the available evidence is currently insufficient to determine the role of this variant in disease. Therefore, it has been classified as a Variant of Uncertain Significance.